The following is an entry in ClinVar:

NM_006231.4(POLE):c.6745C>T (p.Gln2249Ter)

Gene: POLE (DNA polymerase epsilon, catalytic subunit; minus strand). Cytogenetic location: 12q24.33.
Variant type: single nucleotide variant.
Coding change: c.6745C>T on transcript NM_006231.4 (MANE Select); coding-DNA position 6745, C replaced by T.
Protein change: p.Gln2249Ter; replaces glutamine 2249 with a stop codon.
Molecular consequence: nonsense.
Genome position (GRCh38, 1-based): chr12:132,624,907, G>A on the plus strand (C>T on the coding strand, the complement: POLE is on the minus strand). VCF-style: chr12-132624907-G-A. GRCh37 (hg19) VCF-style: chr12-133201493-G-A.
Other names: short protein forms Q2249*.
Identifiers: ClinVar variation 3935696 (VCV003935696.1).

ClinVar aggregate classification (germline): Uncertain significance (1 of 4 stars; one submission).

Conditions:
Hereditary cancer-predisposing syndrome. Also called: Tumor predisposition; Hereditary neoplastic syndrome; Hereditary Cancer Syndrome; Neoplastic Syndromes, Hereditary. Identifiers: Orphanet 140162, MedGen C0027672, MeSH D009386, MONDO:0015356.

Submission:

Ambry Genetics
Classification: Uncertain significance for Hereditary cancer-predisposing syndrome. Last evaluated: 2025-03-31. Review status: criteria provided, single submitter. Criteria: Ambry Variant Classification Scheme 2023. Collection method: clinical testing. Allele origin: germline.
Comment: The p.Q2249* variant (also known as c.6745C>T), located in coding exon 48 of the POLE gene, results from a C to T substitution at nucleotide position 6745. This changes the amino acid from a glutamine to a stop codon within coding exon 48. This alteration occurs at the 3' terminus of thePOLE gene, is not expected to trigger nonsense-mediated mRNAdecay, and impacts the last 1.7% of the protein. The exact functional effect of this alteration is unknown. Based on the available evidence, the clinical significance of this variant remains unclear.